The following is an entry in ClinVar:

NM_001611.5(ACP5):c.578C>A (p.Ala193Glu)

Gene: ACP5 (acid phosphatase 5, tartrate resistant; minus strand). Cytogenetic location: 19p13.2.
Variant type: single nucleotide variant.
Coding change: c.578C>A on transcript NM_001611.5 (MANE Select); coding-DNA position 578, C replaced by A.
Protein change: p.Ala193Glu; replaces alanine 193 with glutamic acid.
Molecular consequence: missense variant.
Genome position (GRCh38, 1-based): chr19:11,576,400, G>T on the plus strand (C>A on the coding strand, the complement: ACP5 is on the minus strand). VCF-style: chr19-11576400-G-T. GRCh37 (hg19) VCF-style: chr19-11687215-G-T.
Other names: c.578C>A, p.Ala193Glu (NM_001111034.3, NM_001111035.3, NM_001111036.3 and 1 more transcripts); short protein forms A193E.
Identifiers: ClinVar variation 942062 (VCV000942062.8), dbSNP rs756201795, ClinGen allele CA404146597.

ClinVar aggregate classification (germline): Uncertain significance (1 of 4 stars; one submission).

Conditions:
Spondyloenchondrodysplasia with immune dysregulation (SPENCDI). Also called: COMBINED IMMUNODEFICIENCY WITH AUTOIMMUNITY AND SPONDYLOMETAPHYSEAL DYSPLASIA; ROIFMAN IMMUNOSKELETAL SYNDROME; SPONDYLOENCHONDRODYSPLASIA WITH OR WITHOUT IMMUNE DYSREGULATION. Identifiers: Orphanet 1855, MedGen C1842763, MONDO:0011939, OMIM 607944.

Submission:

Labcorp Genetics (formerly Invitae), Labcorp
Classification: Uncertain significance for Spondyloenchondrodysplasia with immune dysregulation. Last evaluated: 2019-10-19. Review status: criteria provided, single submitter. Criteria: Invitae Variant Classification Sherloc (09022015). Collection method: clinical testing. Allele origin: germline.
Comment: This variant is not present in population databases (ExAC no frequency). In summary, the available evidence is currently insufficient to determine the role of this variant in disease. Therefore, it has been classified as a Variant of Uncertain Significance. Algorithms developed to predict the effect of missense changes on protein structure and function (SIFT, PolyPhen-2, Align-GVGD) all suggest that this variant is likely to be tolerated, but these predictions have not been confirmed by published functional studies and their clinical significance is uncertain. This variant has not been reported in the literature in individuals with ACP5-related conditions. This sequence change replaces alanine with glutamic acid at codon 193 of the ACP5 protein (p.Ala193Glu). The alanine residue is moderately conserved and there is a moderate physicochemical difference between alanine and glutamic acid.